The following is an entry in ClinVar:

ClinVar aggregate classification (germline): Conflicting classifications of pathogenicity. Review status: criteria provided, conflicting classifications (1 of 4 stars). 2 submissions from 2 submitters: Uncertain significance (1); Likely benign (1). Last evaluated 2025-01-23.

Allele frequency attached by ClinVar (database versions not stated): gnomAD exomes 0.00002 and 0.00004; ExAC 0.00006; ESP Exome Variant Server 0.00008; TOPMed 0.00011; gnomAD 0.00012.
gnomAD v4.1: 86 of 1,614,162 alleles (0.0053%); highest among the groups gnomAD compares: African/African-American, 0.064%; 2 homozygotes.

Submissions (2):

Ambry Genetics
Classification: Likely benign. Last evaluated: 2025-01-23. Review status: criteria provided, single submitter. Criteria: Ambry Variant Classification Scheme 2023. Collection method: clinical testing. Allele origin: germline.

Labcorp Genetics (formerly Invitae), Labcorp
Classification: Uncertain significance. Last evaluated: 2025-01-07. Review status: criteria provided, single submitter. Criteria: Invitae Variant Classification Sherloc (09022015). Collection method: clinical testing. Allele origin: germline.
Comment: This sequence change replaces methionine, which is neutral and non-polar, with isoleucine, which is neutral and non-polar, at codon 404 of the CLCC1 protein (p.Met404Ile). This variant is present in population databases (rs111447204, gnomAD 0.05%). This missense change has been observed in individual(s) with clinical features of retinitis pigmentosa (internal data). ClinVar contains an entry for this variant (Variation ID: 963068). An algorithm developed to predict the effect of missense changes on protein structure and function outputs the following: PolyPhen-2: "Benign". The isoleucine amino acid residue is found in multiple mammalian species, which suggests that this missense change does not adversely affect protein function. In summary, the available evidence is currently insufficient to determine the role of this variant in disease. Therefore, it has been classified as a Variant of Uncertain Significance.

NM_001377458.1(CLCC1):c.1212G>A (p.Met404Ile)

Gene: CLCC1 (chloride channel CLIC like 1; minus strand). Cytogenetic location: 1p13.3.
Variant type: single nucleotide variant.
Coding change: c.1212G>A on transcript NM_001377458.1 (MANE Select); coding-DNA position 1212, G replaced by A.
Protein change: p.Met404Ile; replaces methionine 404 with isoleucine.
Molecular consequence: missense variant. On other transcripts: non-coding transcript variant (1).
Genome position (GRCh38, 1-based): chr1:108,937,248, C>T on the plus strand (G>A on the coding strand, the complement: CLCC1 is on the minus strand). VCF-style: chr1-108937248-C-T. GRCh37 (hg19) VCF-style: chr1-109479870-C-T.
Other names: c.1212G>A, p.Met404Ile (NM_001048210.3, NM_001377459.1, NM_001377460.1 and 8 more transcripts); c.849G>A, p.Met283Ile (NM_001278202.2); c.657G>A, p.Met219Ile (NM_001278203.1); c.1110G>A, p.Met370Ile (NM_001377469.1); c.921G>A, p.Met307Ile (NM_001377470.1); c.1062G>A, p.Met354Ile (NM_015127.5); c.1212G>A (NM_001048210.1); short protein forms M219I, M370I, M283I, M307I, M354I, M404I.
Identifiers: ClinVar variation 963068 (VCV000963068.7), dbSNP rs111447204, ClinGen allele CA983374.
Genomic context (GRCh38, chr1:108,937,248, plus strand): 5'-TCTCAAAATCTCTCTTCTACCCTCATACGTTTTGGCATAAGGGCCTTGCTCAGTGGGGCC[C>T]ATTTGGCCCCTATAATGGAAATCGGCATCACCTGCTCCACCATCAGGTCTATAATCAATT-3'
Protein context (NP_001364387.1, residues 394-414): GDADFHYRGQ[Met404Ile]GPTEQGPYAK